The following is an entry in ClinVar:

ClinVar aggregate classification (germline): Uncertain significance. Review status: criteria provided, multiple submitters, no conflicts (2 of 4 stars). 4 submissions from 4 submitters: Uncertain significance (4). Last evaluated 2025-10-08.

Conditions:
Colorectal cancer. Also called: Colorectal cancer, somatic; Malignant Colorectal Neoplasm. Identifiers: MedGen C0346629, MONDO:0005575, OMIM 114500.
Hereditary cancer-predisposing syndrome. Also called: Hereditary Cancer Syndrome; Hereditary neoplastic syndrome; Neoplastic Syndromes, Hereditary; Tumor predisposition. Identifiers: Orphanet 140162, MedGen C0027672, MeSH D009386, MONDO:0015356.
Oligodontia-cancer predisposition syndrome. Also called: TOOTH AGENESIS-COLORECTAL CANCER SYNDROME. Identifiers: Orphanet 300576, MedGen C1837750, MONDO:0012075, OMIM 608615. Disease mechanism: loss of function.

Allele frequency attached by ClinVar (database versions not stated): TOPMed 0.00002.
gnomAD v4.1: 2 of 1,613,950 alleles (0.00012%); highest among the groups gnomAD compares: Non-Finnish European, 0.00017%; no homozygotes.

Submissions (4):

Labcorp Genetics (formerly Invitae), Labcorp
Classification: Uncertain significance for Oligodontia-cancer predisposition syndrome. Last evaluated: 2025-10-08. Review status: criteria provided, single submitter. Criteria: Invitae Variant Classification Sherloc (09022015). Collection method: clinical testing. Allele origin: germline.
Comment: This sequence change replaces glycine, which is neutral and non-polar, with arginine, which is basic and polar, at codon 545 of the AXIN2 protein (p.Gly545Arg). This variant is not present in population databases (gnomAD no frequency). This missense change has been observed in individual(s) with breast or ovarian cancer (PMID: 36035419). ClinVar contains an entry for this variant (Variation ID: 408814). Invitae Evidence Modeling of protein sequence and biophysical properties (such as structural, functional, and spatial information, amino acid conservation, physicochemical variation, residue mobility, and thermodynamic stability) indicates that this missense variant is not expected to disrupt AXIN2 protein function with a negative predictive value of 80%. In summary, the available evidence is currently insufficient to determine the role of this variant in disease. Therefore, it has been classified as a Variant of Uncertain Significance.

Ambry Genetics
Classification: Uncertain significance for Hereditary cancer-predisposing syndrome. Last evaluated: 2024-09-13. Review status: criteria provided, single submitter. Criteria: Ambry Variant Classification Scheme 2023. Collection method: clinical testing. Allele origin: germline.
Comment: The p.G545R variant (also known as c.1633G>A), located in coding exon 5 of the AXIN2 gene, results from a G to A substitution at nucleotide position 1633. The glycine at codon 545 is replaced by arginine, an amino acid with dissimilar properties. This amino acid position is not well conserved in available vertebrate species. In addition, this alteration is predicted to be tolerated by in silico analysis. Since supporting evidence is limited at this time, the clinical significance of this alteration remains unclear.

GeneDx
Classification: Uncertain significance. Last evaluated: 2024-04-05. Review status: criteria provided, single submitter. Criteria: GeneDx Variant Classification Process June 2021. Collection method: clinical testing. Allele origin: germline. Affected: yes.
Comment: Has not been previously published as pathogenic or benign to our knowledge; Not observed at significant frequency in large population cohorts (gnomAD); In silico analysis indicates that this missense variant does not alter protein structure/function

Baylor Genetics
Classification: Uncertain significance for Colorectal cancer. Last evaluated: 2023-10-22. Review status: criteria provided, single submitter. Criteria: ACMG Guidelines, 2015. Collection method: clinical testing. Allele origin: unknown.

Literature cited by the submitters: PubMed 36035419 (cited by Labcorp Genetics (formerly Invitae), Labcorp).

NM_004655.4(AXIN2):c.1633G>A (p.Gly545Arg)

Gene: AXIN2 (axin 2; minus strand). Cytogenetic location: 17q24.1.
Variant type: single nucleotide variant.
Coding change: c.1633G>A on transcript NM_004655.4 (MANE Select); coding-DNA position 1633, G replaced by A.
Protein change: p.Gly545Arg; replaces glycine 545 with arginine.
Molecular consequence: missense variant.
Genome position (GRCh38, 1-based): chr17:65,537,403, C>T on the plus strand (G>A on the coding strand, the complement: AXIN2 is on the minus strand). VCF-style: chr17-65537403-C-T. GRCh37 (hg19) VCF-style: chr17-63533521-C-T.
Other names: c.1633G>A (LRG_296t1); c.1633G>A, p.Gly545Arg (NM_001363813.1); short protein forms G545R.
Identifiers: ClinVar variation 408814 (VCV000408814.17), dbSNP rs148951121, ClinGen allele CA8718594.